The following is an entry in ClinVar:

ClinVar aggregate classification (germline): Likely benign. Review status: criteria provided, multiple submitters, no conflicts (2 of 4 stars). 2 submissions from 2 submitters: Likely benign (2). Last evaluated 2026-09-01.

Conditions:
Asphyxiating thoracic dystrophy 5 (SRTD5). Also called: SHORT-RIB THORACIC DYSPLASIA 5 WITH OR WITHOUT POLYDACTYLY; SHORT-RIB THORACIC DYSPLASIA 5 WITHOUT POLYDACTYLY. Identifiers: Orphanet 474, MedGen C3280598, MONDO:0013717, OMIM 614376.
Senior-Loken syndrome 8 (SLSN8). Identifiers: Orphanet 3156, MedGen C4225376, MONDO:0014579, OMIM 616307.

gnomAD v4.1: 6 of 1,614,042 alleles (0.00037%); highest among the groups gnomAD compares: East Asian, 0.0067%; no homozygotes.

Submissions (2):

CeGaT Center for Human Genetics Tuebingen
Classification: Likely benign. Last evaluated: 2026-09-01. Review status: criteria provided, single submitter. Criteria: CeGaT Center For Human Genetics Tuebingen Variant Classification Criteria Version 2. Collection method: clinical testing. Allele origin: germline. Affected: yes. Observed: 1 variant allele.
Comment: WDR19: BP4, BP7

Labcorp Genetics (formerly Invitae), Labcorp
Classification: Likely benign for Senior-Loken syndrome 8; Asphyxiating thoracic dystrophy 5. Last evaluated: 2024-11-19. Review status: criteria provided, single submitter. Criteria: Invitae Variant Classification Sherloc (09022015). Collection method: clinical testing. Allele origin: germline.

NM_025132.4(WDR19):c.3681T>C (p.Asp1227=)

Gene: WDR19 (WD repeat domain 19; plus strand). Cytogenetic location: 4p14.
Variant type: single nucleotide variant.
Coding change: c.3681T>C on transcript NM_025132.4 (MANE Select); coding-DNA position 3681, T replaced by C.
Protein change: p.Asp1227=; no amino-acid change (aspartic acid 1227 retained).
Molecular consequence: synonymous variant.
Genome position (GRCh38, 1-based): chr4:39,274,923, T>C. VCF-style: chr4-39274923-T-C. GRCh37 (hg19) VCF-style: chr4-39276543-T-C.
Other names: c.3201T>C, p.Asp1067= (NM_001317924.2).
Identifiers: ClinVar variation 3761275 (VCV003761275.3).